The following is an entry in ClinVar:

ClinVar aggregate classification (germline): Uncertain significance (1 of 4 stars; one submission).

Conditions:
Cardiovascular phenotype. Identifiers: MedGen CN230736.

Allele frequency attached by ClinVar (database versions not stated): gnomAD exomes below 0.00001.
gnomAD v4.1: 1 of 1,600,788 alleles (0.000062%); highest among the groups gnomAD compares: Non-Finnish European, 0.000085%; no homozygotes.

Submission:

Ambry Genetics
Classification: Uncertain significance for Cardiovascular phenotype. Last evaluated: 2022-11-15. Review status: criteria provided, single submitter. Criteria: Ambry Variant Classification Scheme 2023. Collection method: clinical testing. Allele origin: germline.
Comment: The c.2244C>T variant (also known as p.N748N), located in coding exon 18 of the ABCC9 gene, results from a C to T substitution at nucleotide position 2244. This nucleotide substitution does not change the asparagine at codon 748. This nucleotide position is well conserved in available vertebrate species. In silico splice site analysis for this alteration is inconclusive. Since supporting evidence is limited at this time, the clinical significance of this alteration remains unclear.

NM_020297.4(ABCC9):c.2244C>T (p.Asn748=)

Gene: ABCC9 (ATP binding cassette subfamily C member 9; minus strand). Cytogenetic location: 12p12.1.
Variant type: single nucleotide variant.
Coding change: c.2244C>T on transcript NM_020297.4 (MANE Select); coding-DNA position 2244, C replaced by T.
Protein change: p.Asn748=; no amino-acid change (asparagine 748 retained).
Molecular consequence: synonymous variant.
Genome position (GRCh38, 1-based): chr12:21,863,048, G>A on the plus strand (C>T on the coding strand, the complement: ABCC9 is on the minus strand). VCF-style: chr12-21863048-G-A. GRCh37 (hg19) VCF-style: chr12-22015982-G-A.
Other names: c.2244C>T, p.Asn748= (NM_001377273.1, NM_005691.4); c.1377C>T, p.Asn459= (NM_001377274.1).
Identifiers: ClinVar variation 2447985 (VCV002447985.2), dbSNP rs2541233653, ClinGen allele CA478873547.